The following is an entry in ClinVar:

ClinVar aggregate classification (germline): Conflicting classifications of pathogenicity. Review status: criteria provided, conflicting classifications (1 of 4 stars). 2 submissions from 2 submitters: Pathogenic (1); Uncertain significance (1). Last evaluated 2023-07-31.

Conditions:
Jeune thoracic dystrophy. Also called: Short-rib thoracic dysplasia; Jeune syndrome; Infantile thoracic dystrophy; Thoracic pelvic phalangeal dystrophy; Jeune's syndrome; Chondroectodermal dysplasia-like syndrome. Identifiers: Orphanet 474, MedGen C0265275, MONDO:0018770.

Allele frequency attached by ClinVar (database versions not stated): gnomAD exomes below 0.00001.
gnomAD v4.1: 3 of 1,602,944 alleles (0.00019%); highest among the groups gnomAD compares: Non-Finnish European, 0.00026%; no homozygotes.

Submissions (2):

Labcorp Genetics (formerly Invitae), Labcorp
Classification: Pathogenic for Jeune thoracic dystrophy. Last evaluated: 2023-07-31. Review status: criteria provided, single submitter. Criteria: Invitae Variant Classification Sherloc (09022015). Collection method: clinical testing. Allele origin: germline.
Comment: This sequence change creates a premature translational stop signal (p.Gln4262*) in the DYNC2H1 gene. While this is not anticipated to result in nonsense mediated decay, it is expected to disrupt the last 53 amino acid(s) of the DYNC2H1 protein. This variant is not present in population databases (gnomAD no frequency). This variant has not been reported in the literature in individuals affected with DYNC2H1-related conditions. ClinVar contains an entry for this variant (Variation ID: 1496910). Algorithms developed to predict the effect of sequence changes on RNA splicing suggest that this variant may disrupt the consensus splice site. This variant disrupts a region of the DYNC2H1 protein in which other variant(s) (p.Arg4284Gly) have been determined to be pathogenic (PMID: 29068549). This suggests that this is a clinically significant region of the protein, and that variants that disrupt it are likely to be disease-causing. For these reasons, this variant has been classified as Pathogenic. Experimental studies and prediction algorithms are not available or were not evaluated, and the functional significance of this variant is currently unknown.

Blueprint Genetics
Classification: Uncertain significance. Last evaluated: 2022-12-02. Review status: criteria provided, single submitter. Criteria: ACMG Guidelines, 2015. Collection method: clinical testing. Allele origin: germline.

Literature cited by the submitters: PubMed 29068549 (cited by Labcorp Genetics (formerly Invitae), Labcorp).

NM_001377.3(DYNC2H1):c.12763C>T (p.Gln4255Ter)

Gene: DYNC2H1 (dynein cytoplasmic 2 heavy chain 1; plus strand). Cytogenetic location: 11q22.3.
Variant type: single nucleotide variant.
Coding change: c.12763C>T on transcript NM_001377.3 (MANE Select); coding-DNA position 12763, C replaced by T.
Protein change: p.Gln4255Ter; replaces glutamine 4255 with a stop codon.
Molecular consequence: nonsense.
Genome position (GRCh38, 1-based): chr11:103,468,703, C>T. VCF-style: chr11-103468703-C-T. GRCh37 (hg19) VCF-style: chr11-103339431-C-T.
Other names: c.12784C>T, p.Gln4262Ter (NM_001080463.2); short protein forms Q4255*, Q4262*.
Identifiers: ClinVar variation 1496910 (VCV001496910.7), dbSNP rs2135849050, ClinGen allele CA382290108.